The following is an entry in ClinVar:

NM_001358530.2(MOCS1):c.278T>A (p.Val93Asp)

Gene: MOCS1 (molybdenum cofactor synthesis 1; minus strand). Cytogenetic location: 6p21.2.
Variant type: single nucleotide variant.
Coding change: c.278T>A on transcript NM_001358530.2 (MANE Select); coding-DNA position 278, T replaced by A.
Protein change: p.Val93Asp; replaces valine 93 with aspartic acid.
Molecular consequence: missense variant. On other transcripts: non-coding transcript variant (1).
Genome position (GRCh38, 1-based): chr6:39,925,818, A>T on the plus strand (T>A on the coding strand, the complement: MOCS1 is on the minus strand). VCF-style: chr6-39925818-A-T. GRCh37 (hg19) VCF-style: chr6-39893562-A-T.
Other names: c.278T>A, p.Val93Asp (NM_001075098.4, NM_001358529.2, NM_005943.6); c.17T>A, p.Val6Asp (NM_001358531.2, NM_001358533.2, NM_001358534.2); short protein forms V6D, V93D.
Identifiers: ClinVar variation 1396021 (VCV001396021.6), dbSNP rs2149419575, ClinGen allele CA364044875.

ClinVar aggregate classification (germline): Uncertain significance (1 of 4 stars; one submission).

Conditions:
Sulfite oxidase deficiency due to molybdenum cofactor deficiency type A. Also called: Molybdenum cofactor deficiency, complementation group A; Molybdenum Cofactor Deficiency A. Identifiers: Orphanet 308386, Orphanet 833, MedGen C1854988, MONDO:0009643, OMIM 252150.

gnomAD v4.1: 3 of 1,612,074 alleles (0.00019%); highest among the groups gnomAD compares: Non-Finnish European, 0.00025%; no homozygotes.

Submission:

Labcorp Genetics (formerly Invitae), Labcorp
Classification: Uncertain significance for Sulfite oxidase deficiency due to molybdenum cofactor deficiency type A. Last evaluated: 2023-02-13. Review status: criteria provided, single submitter. Criteria: Invitae Variant Classification Sherloc (09022015). Collection method: clinical testing. Allele origin: germline.
Comment: This sequence change replaces valine, which is neutral and non-polar, with aspartic acid, which is acidic and polar, at codon 93 of the MOCS1 protein (p.Val93Asp). This variant is not present in population databases (gnomAD no frequency). This variant has not been reported in the literature in individuals affected with MOCS1-related conditions. ClinVar contains an entry for this variant (Variation ID: 1396021). Algorithms developed to predict the effect of missense changes on protein structure and function are either unavailable or do not agree on the potential impact of this missense change (SIFT: "Deleterious"; PolyPhen-2: "Probably Damaging"; Align-GVGD: "Class C15"). In summary, the available evidence is currently insufficient to determine the role of this variant in disease. Therefore, it has been classified as a Variant of Uncertain Significance.